The following is an entry in ClinVar:

ClinVar aggregate classification (germline): Likely benign. Review status: criteria provided, multiple submitters, no conflicts (2 of 4 stars). 5 submissions from 5 submitters: Likely benign (5). Last evaluated 2026-01-02.

Conditions:
Fanconi anemia (FA). Also called: Fanconi's anemia. Identifiers: Orphanet 84, MedGen C0015625, MeSH D005199, MONDO:0019391.
Fanconi anemia complementation group P. Also called: SLX4-Related Fanconi Anemia. Identifiers: Orphanet 84, MedGen C3469542, MONDO:0013499, OMIM 613951.

Allele frequency attached by ClinVar (database versions not stated): ExAC 0.00007; gnomAD exomes 0.00010; 1000 Genomes Project 30x 0.00016; 1000 Genomes Project 0.00020; gnomAD 0.00005 and 0.00006; TOPMed 0.00006.

Submissions (5):

Labcorp Genetics (formerly Invitae), Labcorp
Classification: Likely benign for Fanconi anemia. Last evaluated: 2026-01-02. Review status: criteria provided, single submitter. Criteria: Invitae Variant Classification Sherloc (09022015). Collection method: clinical testing. Allele origin: germline.

CeGaT Center for Human Genetics Tuebingen
Classification: Likely benign. Last evaluated: 2024-02-01. Review status: criteria provided, single submitter. Criteria: CeGaT Center For Human Genetics Tuebingen Variant Classification Criteria Version 2. Collection method: clinical testing. Allele origin: germline. Affected: yes. Observed: 1 variant allele.
Comment: SLX4: BP4, BP7

KCCC/NGS Laboratory, Kuwait Cancer Control Center
Classification: Likely benign for Fanconi anemia complementation group P. Last evaluated: 2023-07-07. Review status: criteria provided, single submitter. Criteria: ACMG Guidelines, 2015. Collection method: clinical testing. Allele origin: germline. Affected: yes.

Blueprint Genetics
Classification: Likely benign. Last evaluated: 2022-03-25. Review status: criteria provided, single submitter. Criteria: ACMG Guidelines, 2015. Collection method: clinical testing. Allele origin: germline.

Genetic Services Laboratory, University of Chicago
Classification: Likely benign. Last evaluated: 2016-02-25. Review status: criteria provided, single submitter. Criteria: ACMG Guidelines, 2015. Collection method: clinical testing. Allele origin: germline. Affected: no.

NM_032444.4(SLX4):c.165C>T (p.Cys55=)

Gene: SLX4 (SLX4 structure-specific endonuclease subunit; minus strand). Cytogenetic location: 16p13.3.
Variant type: single nucleotide variant.
Coding change: c.165C>T on transcript NM_032444.4 (MANE Select); coding-DNA position 165, C replaced by T.
Protein change: p.Cys55=; no amino-acid change (cysteine 55 retained).
Molecular consequence: synonymous variant.
Genome position (GRCh38, 1-based): chr16:3,608,800, G>A on the plus strand (C>T on the coding strand, the complement: SLX4 is on the minus strand). VCF-style: chr16-3608800-G-A. GRCh37 (hg19) VCF-style: chr16-3658801-G-A.
Other names: c.165C>T (LRG_503t1, NM_032444.3).
Identifiers: ClinVar variation 436787 (VCV000436787.40), dbSNP rs202030834, ClinGen allele CA7866937.